The following is an entry in ClinVar:

NM_001148.6(ANK2):c.9511T>G (p.Ser3171Ala)

Gene: ANK2 (ankyrin 2; plus strand). Cytogenetic location: 4q26.
Variant type: single nucleotide variant.
Coding change: c.9511T>G on transcript NM_001148.6 (MANE Select); coding-DNA position 9511, T replaced by G.
Protein change: p.Ser3171Ala; replaces serine 3171 with alanine.
Molecular consequence: missense variant. On other transcripts: intron variant (68).
Genome position (GRCh38, 1-based): chr4:113,358,129, T>G. VCF-style: chr4-113358129-T-G. GRCh37 (hg19) VCF-style: chr4-114279285-T-G.
Other names: c.9277T>G, p.Ser3093Ala (NM_001386142.1); c.5911T>G, p.Ser1971Ala (NM_001386166.1); c.9652T>G, p.Ser3218Ala (NM_001386174.1); c.9628T>G, p.Ser3210Ala (NM_001386175.1); c.4412-2694T>G (NM_001386186.2, NM_001386148.2); c.4214-2694T>G (NM_001354269.3); c.4292-2694T>G (NM_001386187.2); c.4253-2694T>G (NM_001386147.1); and 35 more; short protein forms S3171A, S1971A, S3093A, S3210A, S3218A.
Identifiers: ClinVar variation 526946 (VCV000526946.9), dbSNP rs1554569481, ClinGen allele CA357937838.

ClinVar aggregate classification (germline): Uncertain significance. Review status: criteria provided, multiple submitters, no conflicts (2 of 4 stars). 2 submissions from 2 submitters: Uncertain significance (2). Last evaluated 2019-03-12.

Conditions:
Long QT syndrome (LQTS). Identifiers: MedGen C0023976, MeSH D008133, MONDO:0002442. Disease mechanism: loss of function. Inheritance: Various modes of inheritance.

Allele frequency attached by ClinVar (database versions not stated): gnomAD exomes below 0.00001.
gnomAD v4.1: 1 of 1,614,056 alleles (0.000062%); highest among the groups gnomAD compares: South Asian, 0.0011%; no homozygotes.

Submissions (2):

Labcorp Genetics (formerly Invitae), Labcorp
Classification: Uncertain significance for Long QT syndrome. Last evaluated: 2019-03-12. Review status: criteria provided, single submitter. Criteria: Invitae Variant Classification Sherloc (09022015). Collection method: clinical testing. Allele origin: germline.
Comment: This sequence change replaces serine with alanine at codon 3171 of the ANK2 protein (p.Ser3171Ala). The serine residue is weakly conserved and there is a moderate physicochemical difference between serine and alanine. In summary, the available evidence is currently insufficient to determine the role of this variant in disease. Therefore, it has been classified as a Variant of Uncertain Significance. Algorithms developed to predict the effect of missense changes on protein structure and function (SIFT, PolyPhen-2, Align-GVGD) all suggest that this variant is likely to be tolerated, but these predictions have not been confirmed by published functional studies and their clinical significance is uncertain. This variant has not been reported in the literature in individuals with ANK2-related conditions. ClinVar contains an entry for this variant (Variation ID: 526946). This variant is not present in population databases (ExAC no frequency).

Stanford Center for Inherited Cardiovascular Disease, Stanford University
Classification: Uncertain significance. Last evaluated: 2017-11-01. Review status: criteria provided, single submitter. Criteria: ACMG Guidelines, 2015. Collection method: provider interpretation. Allele origin: germline.